The following is an entry in ClinVar:

NC_000001.10:g.(?_156102657)_(156104215_?)del

Gene: LMNA (lamin A/C; plus strand). Cytogenetic location: 1q22.
Variant type: Deletion.
Identifiers: ClinVar variation 3247861 (VCV003247861.1).

ClinVar aggregate classification (germline): Likely pathogenic (1 of 4 stars; one submission).

Conditions:
Charcot-Marie-Tooth disease type 2. Also called: Charcot-Marie-Tooth type 2. Identifiers: Orphanet 64746, MedGen C0270914, MONDO:0018993.

Submission:

Labcorp Genetics (formerly Invitae), Labcorp
Classification: Likely pathogenic for Charcot-Marie-Tooth disease type 2. Last evaluated: 2023-07-06. Review status: criteria provided, single submitter. Criteria: Invitae Variant Classification Sherloc (09022015). Collection method: clinical testing. Allele origin: unknown.
Comment: In summary, the currently available evidence indicates that the variant is pathogenic, but additional data are needed to prove that conclusively. Therefore, this variant has been classified as Likely Pathogenic. This variant has been observed in individual(s) with clinical features of arrhythmogenic cardiomyopathy (Invitae). This variant results in the deletion of part of exon 3 of the LMNA gene. It is expected to disrupt RNA splicing. Variants that disrupt the donor or acceptor splice site typically lead to a loss of protein function (PMID: 16199547), and loss-of-function variants in LMNA are known to be pathogenic (PMID: 18585512, 18926329).

Literature cited by the submitters: PubMed 16199547; PubMed 18585512; PubMed 18926329.